The following is an entry in ClinVar:

NM_032229.3(SLITRK6):c.2044A>G (p.Met682Val)

Gene: SLITRK6 (SLIT and NTRK like family member 6; minus strand). Cytogenetic location: 13q31.1.
Variant type: single nucleotide variant.
Coding change: c.2044A>G on transcript NM_032229.3 (MANE Select); coding-DNA position 2044, A replaced by G.
Protein change: p.Met682Val; replaces methionine 682 with valine.
Molecular consequence: missense variant.
Genome position (GRCh38, 1-based): chr13:85,794,465, T>C on the plus strand (A>G on the coding strand, the complement: SLITRK6 is on the minus strand). VCF-style: chr13-85794465-T-C. GRCh37 (hg19) VCF-style: chr13-86368600-T-C.
Other names: short protein forms M682V.
Identifiers: ClinVar variation 3900583 (VCV003900583.1).

ClinVar aggregate classification (germline): Uncertain significance (1 of 4 stars; one submission).

Submission:

GeneDx
Classification: Uncertain significance. Last evaluated: 2024-11-22. Review status: criteria provided, single submitter. Criteria: GeneDx Variant Classification Process June 2021. Collection method: clinical testing. Allele origin: germline. Affected: yes.
Comment: Not observed at significant frequency in large population cohorts (gnomAD); In silico analysis indicates that this missense variant does not alter protein structure/function; Has not been previously published as pathogenic or benign to our knowledge